The following is an entry in ClinVar:

ClinVar aggregate classification (germline): Pathogenic (1 of 4 stars; one submission).

Allele frequency attached by ClinVar (database versions not stated): gnomAD 0.00001.
gnomAD v4.1: 1 of 1,613,610 alleles (0.000062%); highest among the groups gnomAD compares: Admixed American, 0.0017%; no homozygotes.

Submission:

GeneDx
Classification: Pathogenic. Last evaluated: 2018-07-26. Review status: criteria provided, single submitter. Criteria: GeneDx Variant Classification (06012015). Collection method: clinical testing. Allele origin: germline. Affected: yes.
Comment: This variant is predicted to cause loss of normal protein function either through protein truncation or nonsense-mediated mRNA decay. The R848X variant is not observed in large population cohorts (Lek et al., 2016). We interpret R848X as a pathogenic variant,

NM_004991.4(MECOM):c.3106C>T (p.Arg1036Ter)

Gene: MECOM (MDS1 and EVI1 complex locus; minus strand). Cytogenetic location: 3q26.2.
Variant type: single nucleotide variant.
Coding change: c.3106C>T on transcript NM_004991.4 (MANE Select); coding-DNA position 3106, C replaced by T.
Protein change: p.Arg1036Ter; replaces arginine 1036 with a stop codon.
Molecular consequence: nonsense.
Genome position (GRCh38, 1-based): chr3:169,093,016, G>A on the plus strand (C>T on the coding strand, the complement: MECOM is on the minus strand). VCF-style: chr3-169093016-G-A. GRCh37 (hg19) VCF-style: chr3-168810804-G-A.
Other names: c.2737C>T, p.Arg913Ter (NM_001105077.4); c.2542C>T, p.Arg848Ter (NM_001105078.4, NM_001205194.2, NM_001366469.2 and 1 more transcripts); c.2518C>T, p.Arg840Ter (NM_001163999.2, NM_001366470.2); c.2515C>T, p.Arg839Ter (NM_001164000.2, NM_001366471.2, NM_001366472.2); c.3079C>T, p.Arg1027Ter (NM_001366466.2); c.2545C>T, p.Arg849Ter (NM_001366467.2, NM_001366468.2); c.2107C>T, p.Arg703Ter (NM_001366473.2); c.1543C>T, p.Arg515Ter (NM_001366474.2); short protein forms R1036*, R848*, R515*, R703*, R913*, R840*, R849*, R1027*.
Identifiers: ClinVar variation 620298 (VCV000620298.1), dbSNP rs1560118923, ClinGen allele CA355072163.